The following is an entry in ClinVar:

NM_005228.5(EGFR):c.2107C>T (p.Leu703Phe)

Gene: EGFR (epidermal growth factor receptor; plus strand). Cytogenetic location: 7p11.2.
Variant type: single nucleotide variant.
Coding change: c.2107C>T on transcript NM_005228.5 (MANE Select); coding-DNA position 2107, C replaced by T.
Protein change: p.Leu703Phe; replaces leucine 703 with phenylalanine.
Molecular consequence: missense variant.
Genome position (GRCh38, 1-based): chr7:55,173,966, C>T. VCF-style: chr7-55173966-C-T. GRCh37 (hg19) VCF-style: chr7-55241659-C-T.
Other names: c.1972C>T, p.Leu658Phe (NM_001346897.2, NM_001346899.2); c.2107C>T, p.Leu703Phe (NM_001346898.2); c.1948C>T, p.Leu650Phe (NM_001346900.2); c.1306C>T, p.Leu436Phe (NM_001346941.2); c.2107C>T (NM_005228.3); short protein forms L658F, L436F, L650F, L703F.
Identifiers: ClinVar variation 1481067 (VCV001481067.7), dbSNP rs1273890779, ClinGen allele CA367583535.

ClinVar aggregate classification (germline): Uncertain significance. Review status: criteria provided, multiple submitters, no conflicts (2 of 4 stars). 2 submissions from 2 submitters: Uncertain significance (2). Last evaluated 2025-09-16.

Conditions:
Hereditary cancer-predisposing syndrome. Also called: Tumor predisposition; Hereditary Cancer Syndrome; Hereditary neoplastic syndrome; Neoplastic Syndromes, Hereditary. Identifiers: Orphanet 140162, MedGen C0027672, MeSH D009386, MONDO:0015356.
EGFR-related lung cancer (EGFR). Identifiers: MedGen CN130014.

Allele frequency attached by ClinVar (database versions not stated): gnomAD exomes below 0.00001 and 0.00001.
gnomAD v4.1: 5 of 1,614,252 alleles (0.00031%); highest among the groups gnomAD compares: Non-Finnish European, 0.00034%; no homozygotes.

Submissions (2):

Ambry Genetics
Classification: Uncertain significance for Hereditary cancer-predisposing syndrome. Last evaluated: 2025-09-16. Review status: criteria provided, single submitter. Criteria: Ambry Variant Classification Scheme 2023. Collection method: clinical testing. Allele origin: germline.
Comment: The p.L703F variant (also known as c.2107C>T), located in coding exon 18 of the EGFR gene, results from a C to T substitution at nucleotide position 2107. The leucine at codon 703 is replaced by phenylalanine, an amino acid with highly similar properties. This amino acid position is well conserved in available vertebrate species. In addition, this alteration is predicted to be tolerated by in silico analysis. Based on the available evidence, the clinical significance of this variant remains unclear.

Labcorp Genetics (formerly Invitae), Labcorp
Classification: Uncertain significance for EGFR-related lung cancer. Last evaluated: 2025-01-01. Review status: criteria provided, single submitter. Criteria: Invitae Variant Classification Sherloc (09022015). Collection method: clinical testing. Allele origin: germline.
Comment: This sequence change replaces leucine, which is neutral and non-polar, with phenylalanine, which is neutral and non-polar, at codon 703 of the EGFR protein (p.Leu703Phe). This variant is present in population databases (no rsID available, gnomAD 0.0009%). This variant has not been reported in the literature in individuals affected with EGFR-related conditions. ClinVar contains an entry for this variant (Variation ID: 1481067). Invitae Evidence Modeling of protein sequence and biophysical properties (such as structural, functional, and spatial information, amino acid conservation, physicochemical variation, residue mobility, and thermodynamic stability) indicates that this missense variant is not expected to disrupt EGFR protein function with a negative predictive value of 80%. In summary, the available evidence is currently insufficient to determine the role of this variant in disease. Therefore, it has been classified as a Variant of Uncertain Significance.